The following is an entry in ClinVar:

ClinVar aggregate classification (germline): Uncertain significance (1 of 4 stars; one submission).

Conditions:
Dyskeratosis congenita. Identifiers: Orphanet 1775, MedGen C0265965, MONDO:0015780.

Submission:

Ambry Genetics
Classification: Uncertain significance for Dyskeratosis congenita. Last evaluated: 2026-02-21. Review status: criteria provided, single submitter. Criteria: Ambry Variant Classification Scheme 2023. Collection method: clinical testing. Allele origin: germline.
Comment: The p.F870L variant (also known as c.2608T>C), located in coding exon 10 of the TERT gene, results from a T to C substitution at nucleotide position 2608. The phenylalanine at codon 870 is replaced by leucine, an amino acid with highly similar properties. This amino acid position is conserved. In addition, this alteration is predicted to be deleterious by in silico analysis. Based on the available evidence, the clinical significance of this variant remains unclear.

NM_198253.3(TERT):c.2608T>C (p.Phe870Leu)

Gene: TERT (telomerase reverse transcriptase; minus strand). Cytogenetic location: 5p15.33.
Variant type: single nucleotide variant.
Coding change: c.2608T>C on transcript NM_198253.3 (MANE Select); coding-DNA position 2608, T replaced by C.
Protein change: p.Phe870Leu; replaces phenylalanine 870 with leucine.
Molecular consequence: missense variant. On other transcripts: non-coding transcript variant (2).
Genome position (GRCh38, 1-based): chr5:1,266,510, A>G on the plus strand (T>C on the coding strand, the complement: TERT is on the minus strand). VCF-style: chr5-1266510-A-G. GRCh37 (hg19) VCF-style: chr5-1266625-A-G.
Other names: c.2608T>C, p.Phe870Leu (NM_001193376.3); short protein forms F870L.
Identifiers: ClinVar variation 4825601 (VCV004825601.1).